The following is an entry in ClinVar:

ClinVar aggregate classification (germline): Uncertain significance (1 of 4 stars; one submission).

Conditions:
Cardiovascular phenotype. Identifiers: MedGen CN230736.

Submission:

Ambry Genetics
Classification: Uncertain significance for Cardiovascular phenotype. Last evaluated: 2025-08-14. Review status: criteria provided, single submitter. Criteria: Ambry Variant Classification Scheme 2023. Collection method: clinical testing. Allele origin: germline.
Comment: The p.E888K variant (also known as c.2662G>A), located in coding exon 16 of the DSC2 gene, results from a G to A substitution at nucleotide position 2662. The glutamic acid at codon 888 is replaced by lysine, an amino acid with similar properties. This amino acid position is well conserved in available vertebrate species. In addition, the in silico prediction for this alteration is inconclusive. Based on the available evidence, the clinical significance of this variant remains unclear.

NM_024422.6(DSC2):c.2662G>A (p.Glu888Lys)

Gene: DSC2 (desmocollin 2; minus strand). Cytogenetic location: 18q12.1.
Variant type: single nucleotide variant.
Coding change: c.2662G>A on transcript NM_024422.6 (MANE Select); coding-DNA position 2662, G replaced by A.
Protein change: p.Glu888Lys; replaces glutamic acid 888 with lysine.
Molecular consequence: missense variant. On other transcripts: 3 prime UTR variant (2).
Genome position (GRCh38, 1-based): chr18:31,068,059, C>T on the plus strand (G>A on the coding strand, the complement: DSC2 is on the minus strand). VCF-style: chr18-31068059-C-T. GRCh37 (hg19) VCF-style: chr18-28648025-C-T.
Other names: c.2233G>A, p.Glu745Lys (NM_001406506.1); c.*164G>A (NM_001406507.1, NM_004949.5); short protein forms E745K, E888K.
Identifiers: ClinVar variation 4244900 (VCV004244900.1).